The following is an entry in ClinVar:

ClinVar aggregate classification (germline): Uncertain significance. Review status: criteria provided, multiple submitters, no conflicts (2 of 4 stars). 4 submissions from 4 submitters: Uncertain significance (4). Last evaluated 2025-10-18.

Conditions:
Congenital muscular dystrophy due to integrin alpha-7 deficiency. Also called: Congenital muscular dystrophy with integrin alpha-7 deficiency; Muscular dystrophy, congenital, due to ITGA7 deficiency; MYOPATHY, CONGENITAL, DUE TO INTEGRIN ALPHA-7 DEFICIENCY. Identifiers: Orphanet 34520, MedGen C2750786, MONDO:0013177, OMIM 613204.

Allele frequency attached by ClinVar (database versions not stated): gnomAD exomes below 0.00001 and 0.00001; gnomAD 0.00001; TOPMed 0.00002.
gnomAD v4.1: 8 of 1,613,548 alleles (0.0005%); highest among the groups gnomAD compares: South Asian, 0.0033%; no homozygotes.

Submissions (4):

Ambry Genetics
Classification: Uncertain significance. Last evaluated: 2025-10-18. Review status: criteria provided, single submitter. Criteria: Ambry Variant Classification Scheme 2023. Collection method: clinical testing. Allele origin: germline.

Revvity Omics, Revvity
Classification: Uncertain significance for Congenital muscular dystrophy due to integrin alpha-7 deficiency. Last evaluated: 2025-06-03. Review status: criteria provided, single submitter. Criteria: ACMG Guidelines, 2015. Collection method: clinical testing. Allele origin: germline.

Labcorp Genetics (formerly Invitae), Labcorp
Classification: Uncertain significance for Congenital muscular dystrophy due to integrin alpha-7 deficiency. Last evaluated: 2022-06-04. Review status: criteria provided, single submitter. Criteria: Invitae Variant Classification Sherloc (09022015). Collection method: clinical testing. Allele origin: germline.
Comment: In summary, the available evidence is currently insufficient to determine the role of this variant in disease. Therefore, it has been classified as a Variant of Uncertain Significance. Algorithms developed to predict the effect of missense changes on protein structure and function are either unavailable or do not agree on the potential impact of this missense change (SIFT: "Tolerated"; PolyPhen-2: "Probably Damaging"; Align-GVGD: "Class C0"). ClinVar contains an entry for this variant (Variation ID: 835837). This variant has not been reported in the literature in individuals affected with ITGA7-related conditions. This variant is present in population databases (no rsID available, gnomAD 0.003%). This sequence change replaces arginine, which is basic and polar, with cysteine, which is neutral and slightly polar, at codon 653 of the ITGA7 protein (p.Arg653Cys).

Blueprint Genetics
Classification: Uncertain significance. Last evaluated: 2022-04-12. Review status: criteria provided, single submitter. Criteria: ACMG Guidelines, 2015. Collection method: clinical testing. Allele origin: germline.

NM_002206.3(ITGA7):c.1957C>T (p.Arg653Cys)

Gene: ITGA7 (integrin subunit alpha 7; minus strand). Cytogenetic location: 12q13.2.
Variant type: single nucleotide variant.
Coding change: c.1957C>T on transcript NM_002206.3 (MANE Select); coding-DNA position 1957, C replaced by T.
Protein change: p.Arg653Cys; replaces arginine 653 with cysteine.
Molecular consequence: missense variant.
Genome position (GRCh38, 1-based): chr12:55,695,568, G>A on the plus strand (C>T on the coding strand, the complement: ITGA7 is on the minus strand). VCF-style: chr12-55695568-G-A. GRCh37 (hg19) VCF-style: chr12-56089352-G-A.
Other names: c.1969C>T, p.Arg657Cys (NM_001144996.2); c.1678C>T, p.Arg560Cys (NM_001144997.2); c.1630C>T, p.Arg544Cys (NM_001367993.1); c.613C>T, p.Arg205Cys (NM_001367994.1); c.1939C>T, p.Arg647Cys (NM_001374465.1); c.2089C>T, p.Arg697Cys (NM_001410977.1); c.1951C>T, p.Arg651Cys (NM_001414029.1); c.1882C>T, p.Arg628Cys (NM_001414030.1); and 5 more; short protein forms R205C, R653C, R657C, R544C, R560C, R647C, R697C, R592C.
Identifiers: ClinVar variation 835837 (VCV000835837.11), dbSNP rs1051135124, ClinGen allele CA237570029.